The following is an entry in ClinVar:

ClinVar aggregate classification (germline): Uncertain significance (1 of 4 stars; one submission).

Conditions:
Norman-Roberts syndrome (LIS2). Also called: Lissencephaly 2 (Norman-Roberts type). Identifiers: Orphanet 89844, MedGen C0796089, MONDO:0009760, OMIM 257320.
Familial temporal lobe epilepsy 7. Identifiers: Orphanet 101046, MedGen C4225327, MONDO:0014639, OMIM 616436.

Submission:

Labcorp Genetics (formerly Invitae), Labcorp
Classification: Uncertain significance for Familial temporal lobe epilepsy 7; Norman-Roberts syndrome. Last evaluated: 2024-08-24. Review status: criteria provided, single submitter. Criteria: Invitae Variant Classification Sherloc (09022015). Collection method: clinical testing. Allele origin: germline.
Comment: This sequence change replaces lysine, which is basic and polar, with threonine, which is neutral and polar, at codon 1609 of the RELN protein (p.Lys1609Thr). This variant is not present in population databases (gnomAD no frequency). This variant has not been reported in the literature in individuals affected with RELN-related conditions. Invitae Evidence Modeling of protein sequence and biophysical properties (such as structural, functional, and spatial information, amino acid conservation, physicochemical variation, residue mobility, and thermodynamic stability) indicates that this missense variant is not expected to disrupt RELN protein function with a negative predictive value of 80%. In summary, the available evidence is currently insufficient to determine the role of this variant in disease. Therefore, it has been classified as a Variant of Uncertain Significance.

NM_005045.4(RELN):c.4826A>C (p.Lys1609Thr)

Gene: RELN (reelin; minus strand). Cytogenetic location: 7q22.1.
Variant type: single nucleotide variant.
Coding change: c.4826A>C on transcript NM_005045.4 (MANE Select); coding-DNA position 4826, A replaced by C.
Protein change: p.Lys1609Thr; replaces lysine 1609 with threonine.
Molecular consequence: missense variant.
Genome position (GRCh38, 1-based): chr7:103,566,334, T>G on the plus strand (A>C on the coding strand, the complement: RELN is on the minus strand). VCF-style: chr7-103566334-T-G. GRCh37 (hg19) VCF-style: chr7-103206781-T-G.
Other names: c.4826A>C, p.Lys1609Thr (NM_173054.3); short protein forms K1609T.
Identifiers: ClinVar variation 3748883 (VCV003748883.2).
Genomic context (GRCh38, chr7:103,566,334, plus strand): 5'-TCAACTTGACCTCCTTGGATTCGATACCAGTTGGCTTGCAAATCTATAGAGCCATCAAAT[T>G]TGTCTTGAAATCCAGTTTGAGAGCTGTCATTCATTCCTATAAGAACATCATCCAAAGCCC-3'
Protein context (NP_005036.2, residues 1599-1619): NDSSQTGFQD[Lys1609Thr]FDGSIDLQAN